The following is an entry in ClinVar:

NM_001035.3(RYR2):c.11627A>C (p.Asp3876Ala)

Gene: RYR2 (ryanodine receptor 2; plus strand). Cytogenetic location: 1q43.
Variant type: single nucleotide variant.
Coding change: c.11627A>C on transcript NM_001035.3 (MANE Select); coding-DNA position 11627, A replaced by C.
Protein change: p.Asp3876Ala; replaces aspartic acid 3876 with alanine.
Molecular consequence: missense variant.
Genome position (GRCh38, 1-based): chr1:237,772,081, A>C. VCF-style: chr1-237772081-A-C. GRCh37 (hg19) VCF-style: chr1-237935381-A-C.
Other names: short protein forms D3876A.
Identifiers: ClinVar variation 4158451 (VCV004158451.2).

ClinVar aggregate classification (germline): Uncertain significance. Review status: criteria provided, multiple submitters, no conflicts (2 of 4 stars). 2 submissions from 2 submitters: Uncertain significance (2). Last evaluated 2025-09-10.

Conditions:
Catecholaminergic polymorphic ventricular tachycardia 1. Also called: RYR2-Related Catecholaminergic Polymorphic Ventricular Tachycardia; VENTRICULAR TACHYCARDIA, STRESS-INDUCED POLYMORPHIC 1; VENTRICULAR TACHYCARDIA, CATECHOLAMINERGIC POLYMORPHIC, 1, WITH OR WITHOUT ATRIAL DYSFUNCTION AND/OR DILATED CARDIOMYOPATHY. Identifiers: Orphanet 3286, MedGen C1631597, MONDO:0011484, OMIM 604772.
Cardiovascular phenotype. Identifiers: MedGen CN230736.

Submissions (2):

Ambry Genetics
Classification: Uncertain significance for Cardiovascular phenotype. Last evaluated: 2025-09-10. Review status: criteria provided, single submitter. Criteria: Ambry Variant Classification Scheme 2023. Collection method: clinical testing. Allele origin: germline.
Comment: The p.D3876A variant (also known as c.11627A>C), located in coding exon 86 of the RYR2 gene, results from an A to C substitution at nucleotide position 11627. The aspartic acid at codon 3876 is replaced by alanine, an amino acid with dissimilar properties. This variant was reported in individual(s) with features consistent with arrhythmia (Janin A et al. Mol Diagn Ther, 2021 May;25:373-385). This amino acid position is highly conserved in available vertebrate species. In addition, this alteration is predicted to be deleterious by in silico analysis. Based on the available evidence, the clinical significance of this variant remains unclear.

Labcorp Genetics (formerly Invitae), Labcorp
Classification: Uncertain significance for Catecholaminergic polymorphic ventricular tachycardia 1. Last evaluated: 2025-06-29. Review status: criteria provided, single submitter. Criteria: Invitae Variant Classification Sherloc (09022015). Collection method: clinical testing. Allele origin: germline.
Comment: This sequence change replaces aspartic acid, which is acidic and polar, with alanine, which is neutral and non-polar, at codon 3876 of the RYR2 protein (p.Asp3876Ala). This variant is not present in population databases (gnomAD no frequency). This variant has not been reported in the literature in individuals affected with RYR2-related conditions. Invitae Evidence Modeling of protein sequence and biophysical properties (such as structural, functional, and spatial information, amino acid conservation, physicochemical variation, residue mobility, and thermodynamic stability) indicates that this missense variant is expected to disrupt RYR2 protein function with a positive predictive value of 95%. In summary, the available evidence is currently insufficient to determine the role of this variant in disease. Therefore, it has been classified as a Variant of Uncertain Significance.

Literature cited by the submitters: PubMed 33954932 (cited by Ambry Genetics).